The following is an entry in ClinVar:

NM_024642.5(GALNT12):c.396T>C (p.Tyr132=)

Gene: GALNT12 (polypeptide N-acetylgalactosaminyltransferase 12; plus strand). Cytogenetic location: 9q22.33.
Variant type: single nucleotide variant.
Coding change: c.396T>C on transcript NM_024642.5 (MANE Select); coding-DNA position 396, T replaced by C.
Protein change: p.Tyr132=; no amino-acid change (tyrosine 132 retained).
Molecular consequence: synonymous variant.
Genome position (GRCh38, 1-based): chr9:98,823,280, T>C. VCF-style: chr9-98823280-T-C. GRCh37 (hg19) VCF-style: chr9-101585562-T-C.
Identifiers: ClinVar variation 1736611 (VCV001736611.3), dbSNP rs1302244505, ClinGen allele CA466423529.

ClinVar aggregate classification (germline): Benign/Likely benign. Review status: criteria provided, multiple submitters, no conflicts (2 of 4 stars). 2 submissions from 2 submitters: Benign (1); Likely benign (1). Last evaluated 2026-04-23.

Conditions:
Colorectal cancer, susceptibility to, 1. Also called: COLORECTAL ADENOMA AND CANCER, SUSCEPTIBILITY TO; COLORECTAL CANCER, SUSCEPTIBILITY TO, ON CHROMOSOME 9. Identifiers: MedGen C1837315, MONDO:0012132, OMIM 608812.

Allele frequency attached by ClinVar (database versions not stated): TOPMed 0.00001; gnomAD exomes below 0.00001.
gnomAD v4.1: 5 of 1,614,218 alleles (0.00031%); highest among the groups gnomAD compares: African/African-American, 0.004%; no homozygotes.

Submissions (2):

Myriad Genetics, Inc.
Classification: Benign for Colorectal cancer, susceptibility to, 1. Last evaluated: 2026-04-23. Review status: criteria provided, single submitter. Criteria: Myriad Autosomal Dominant, Autosomal Recessive and X-Linked Classification Criteria (2023). Collection method: clinical testing. Allele origin: unknown.
Comment: This variant is considered benign. This variant is a silent/synonymous amino acid change and it is not expected to impact splicing.

Ambry Genetics
Classification: Likely benign. Last evaluated: 2022-04-01. Review status: criteria provided, single submitter. Criteria: Ambry Variant Classification Scheme 2023. Collection method: clinical testing. Allele origin: germline.